The following is an entry in ClinVar:

NM_000719.7(CACNA1C):c.1130G>C (p.Gly377Ala)

Gene: CACNA1C (calcium voltage-gated channel subunit alpha1 C; plus strand). Cytogenetic location: 12p13.33.
Variant type: single nucleotide variant.
Coding change: c.1130G>C on transcript NM_000719.7 (MANE Select); coding-DNA position 1130, G replaced by C.
Protein change: p.Gly377Ala; replaces glycine 377 with alanine.
Molecular consequence: missense variant. On other transcripts: intron variant (4).
Genome position (GRCh38, 1-based): chr12:2,504,858, G>C. VCF-style: chr12-2504858-G-C. GRCh37 (hg19) VCF-style: chr12-2614024-G-C.
Other names: c.1130G>C, p.Gly377Ala (NM_001129827.2, NM_001129829.2, NM_001129830.3 and 14 more transcripts); c.1121G>C, p.Gly374Ala (NM_001129844.2); c.1217+319G>C (NM_001167624.3, NM_001167623.2, NM_001167625.2 and 1 more transcripts); short protein forms G377A, G374A.
Identifiers: ClinVar variation 526907 (VCV000526907.9), dbSNP rs1555689622, ClinGen allele CA383370843.

ClinVar aggregate classification (germline): Uncertain significance (1 of 4 stars; one submission).

Conditions:
Long QT syndrome (LQTS). Identifiers: MedGen C0023976, MeSH D008133, MONDO:0002442. Disease mechanism: loss of function. Inheritance: Various modes of inheritance.

Submission:

Labcorp Genetics (formerly Invitae), Labcorp
Classification: Uncertain significance for Long QT syndrome. Last evaluated: 2017-12-05. Review status: criteria provided, single submitter. Criteria: Invitae Variant Classification Sherloc (09022015). Collection method: clinical testing. Allele origin: germline.
Comment: Algorithms developed to predict the effect of missense changes on protein structure and function do not agree on the potential impact of this missense change (SIFT: "Deleterious"; PolyPhen-2: "Probably Damaging"; Align-GVGD: "Class C0"). This variant has not been reported in the literature in individuals with CACNA1C-related disease. This variant is not present in population databases (ExAC no frequency). This sequence change replaces glycine with alanine at codon 377 of the CACNA1C protein (p.Gly377Ala). The glycine residue is highly conserved and there is a small physicochemical difference between glycine and alanine. In summary, the available evidence is currently insufficient to determine the role of this variant in disease. Therefore, it has been classified as a Variant of Uncertain Significance.